The following is an entry in ClinVar:

ClinVar aggregate classification (germline): Likely pathogenic (1 of 4 stars; one submission).

Allele frequency attached by ClinVar (database versions not stated): TOPMed 0.00001; gnomAD exomes 0.00003; ExAC 0.00002; gnomAD 0.00001.
gnomAD v4.1: 49 of 1,613,328 alleles (0.003%); highest among the groups gnomAD compares: Non-Finnish European, 0.0039%; no homozygotes.

Submission:

Labcorp Genetics (formerly Invitae), Labcorp
Classification: Likely pathogenic. Last evaluated: 2025-02-17. Review status: criteria provided, single submitter. Criteria: Invitae Variant Classification Sherloc (09022015). Collection method: clinical testing. Allele origin: germline.
Comment: This sequence change affects a donor splice site in intron 6 of the CEP63 gene. It is expected to disrupt RNA splicing. Variants that disrupt the donor or acceptor splice site typically lead to a loss of protein function (PMID: 16199547), and loss-of-function variants in CEP63 are known to be pathogenic (PMID: 21983783, 23936128, 26158450). This variant is present in population databases (rs769414976, gnomAD 0.006%). This variant has not been reported in the literature in individuals affected with CEP63-related conditions. ClinVar contains an entry for this variant (Variation ID: 3001629). Algorithms developed to predict the effect of sequence changes on RNA splicing suggest that this variant may disrupt the consensus splice site. In summary, the currently available evidence indicates that the variant is pathogenic, but additional data are needed to prove that conclusively. Therefore, this variant has been classified as Likely Pathogenic.

Literature cited by the submitters: PubMed 16199547; PubMed 21983783; PubMed 23936128; PubMed 26158450.

NM_001353108.3(CEP63):c.441+1G>A

Gene: CEP63 (centrosomal protein 63; plus strand). Cytogenetic location: 3q22.2.
Variant type: single nucleotide variant.
Coding change: c.441+1G>A on transcript NM_001353108.3 (MANE Select); the canonical splice donor site of the intron after coding-DNA position 441, G replaced by A.
Molecular consequence: splice donor variant.
Genome position (GRCh38, 1-based): chr3:134,532,901, G>A. VCF-style: chr3-134532901-G-A. GRCh37 (hg19) VCF-style: chr3-134251743-G-A.
Other names: c.441+1G>A (NM_001353113.1, NM_001042384.2, NM_001353122.1 and 13 more transcripts); c.468+1G>A (NM_001353118.1); c.78+1G>A (NM_001353126.2); c.357+1G>A (NM_001353125.2).
Identifiers: ClinVar variation 3001629 (VCV003001629.3), dbSNP rs769414976, ClinGen allele CA2628363.
Genomic context (GRCh38, chr3:134,532,901, plus strand): 5'-AATACCAAAAATCACAGGGAAGATCGGTCTGAAATTGAGAGGTTAACTGCAAAAATAGAG[G>A]TATGTTCATAGTAATAATTTGTTCATAGTGATTGTCAGCCTTCACGTAGGAAAATGCGGT-3'